The following is an entry in ClinVar:

ClinVar aggregate classification (germline): Benign/Likely benign. Review status: criteria provided, multiple submitters, no conflicts (2 of 4 stars). 2 submissions from 2 submitters: Benign (1); Likely benign (1). Last evaluated 2025-08-12.

Conditions:
Hereditary cancer-predisposing syndrome. Also called: Hereditary neoplastic syndrome; Neoplastic Syndromes, Hereditary; Tumor predisposition; Hereditary Cancer Syndrome. Identifiers: Orphanet 140162, MedGen C0027672, MeSH D009386, MONDO:0015356.
Melanoma-pancreatic cancer syndrome. Identifiers: Orphanet 404560, MedGen C1838547, MONDO:0011713, OMIM 606719. Disease mechanism: loss of function.

Allele frequency attached by ClinVar (database versions not stated): TOPMed below 0.00001.

Submissions (2):

Myriad Genetics, Inc.
Classification: Benign for Melanoma-pancreatic cancer syndrome. Last evaluated: 2025-08-12. Review status: criteria provided, single submitter. Criteria: Myriad Autosomal Dominant, Autosomal Recessive and X-Linked Classification Criteria (2023). Collection method: clinical testing. Allele origin: unknown.
Comment: This variant is considered benign. This variant is a silent/synonymous amino acid change and it is not expected to impact splicing.

Ambry Genetics
Classification: Likely benign for Hereditary cancer-predisposing syndrome. Last evaluated: 2021-09-01. Review status: criteria provided, single submitter. Criteria: Ambry Variant Classification Scheme 2023. Collection method: clinical testing. Allele origin: germline.

NM_058195.4(CDKN2A):c.147A>G (p.Leu49=)

Gene: CDKN2A (cyclin dependent kinase inhibitor 2A; minus strand). Cytogenetic location: 9p21.3.
Variant type: single nucleotide variant.
Coding change: c.147A>G on transcript NM_058195.4 (MANE Plus Clinical); coding-DNA position 147, A replaced by G.
Protein change: p.Leu49=; no amino-acid change (leucine 49 retained).
Molecular consequence: synonymous variant. On other transcripts: intron variant (1).
Genome position (GRCh38, 1-based): chr9:21,994,185, T>C on the plus strand (A>G on the coding strand, the complement: CDKN2A is on the minus strand). VCF-style: chr9-21994185-T-C. GRCh37 (hg19) VCF-style: chr9-21994184-T-C.
Other names: c.-4+636A>G (NM_001363763.2).
Identifiers: ClinVar variation 1773518 (VCV001773518.3), dbSNP rs1022604255, ClinGen allele CA190745876.